The following is an entry in ClinVar:

NM_000246.4(CIITA):c.3014C>G (p.Ser1005Trp)

Gene: CIITA (class II major histocompatibility complex transactivator; plus strand). Cytogenetic location: 16p13.13.
Variant type: single nucleotide variant.
Coding change: c.3014C>G on transcript NM_000246.4 (MANE Select); coding-DNA position 3014, C replaced by G.
Protein change: p.Ser1005Trp; replaces serine 1005 with tryptophan.
Molecular consequence: missense variant. On other transcripts: non-coding transcript variant (1).
Genome position (GRCh38, 1-based): chr16:10,916,411, C>G. VCF-style: chr16-10916411-C-G. GRCh37 (hg19) VCF-style: chr16-11010268-C-G.
Other names: c.3017C>G, p.Ser1006Trp (NM_001286402.1, NM_001379332.1); c.1262C>G, p.Ser421Trp (NM_001286403.2); c.2870C>G, p.Ser957Trp (NM_001379330.1); c.2867C>G, p.Ser956Trp (NM_001379331.1); c.3014C>G, p.Ser1005Trp (NM_001379333.1); c.2945C>G, p.Ser982Trp (NM_001379334.1); short protein forms S1006W, S421W, S1005W, S956W, S982W, S957W.
Identifiers: ClinVar variation 935109 (VCV000935109.11), dbSNP rs759385748, ClinGen allele CA7900623.

ClinVar aggregate classification (germline): Uncertain significance. Review status: criteria provided, single submitter (1 of 4 stars). 2 submissions from 2 submitters: Uncertain significance (1). 1 of the submissions does not count toward it. Last evaluated 2022-10-05.

Conditions:
MHC class II deficiency. Also called: Bare lymphocyte syndrome 2; BLS, TYPE II. Identifiers: Orphanet 572, MedGen C5447452, MONDO:0008855.

Allele frequency attached by ClinVar (database versions not stated): gnomAD 0.00003; ExAC 0.00004; TOPMed 0.00001; gnomAD exomes 0.00002.
gnomAD v4.1: 36 of 1,613,502 alleles (0.0022%); highest among the groups gnomAD compares: Non-Finnish European, 0.0029%; no homozygotes.

Submissions (2):

Labcorp Genetics (formerly Invitae), Labcorp
Classification: Uncertain significance for MHC class II deficiency. Last evaluated: 2022-10-05. Review status: criteria provided, single submitter. Criteria: Invitae Variant Classification Sherloc (09022015). Collection method: clinical testing. Allele origin: germline.
Comment: This sequence change replaces serine, which is neutral and polar, with tryptophan, which is neutral and slightly polar, at codon 1005 of the CIITA protein (p.Ser1005Trp). This variant is present in population databases (rs759385748, gnomAD 0.005%). This variant has not been reported in the literature in individuals affected with CIITA-related conditions. ClinVar contains an entry for this variant (Variation ID: 935109). Algorithms developed to predict the effect of missense changes on protein structure and function are either unavailable or do not agree on the potential impact of this missense change (SIFT: "Deleterious"; PolyPhen-2: "Probably Damaging"; Align-GVGD: "Class C0"). In summary, the available evidence is currently insufficient to determine the role of this variant in disease. Therefore, it has been classified as a Variant of Uncertain Significance.

Natera, Inc.
Classification: Uncertain significance for Bare lymphocyte syndrome type II. Last evaluated: 2020-01-24. Review status: no assertion criteria provided. Collection method: clinical testing. Allele origin: germline. Not counted in ClinVar's aggregate classification.